The following is an entry in ClinVar:

ClinVar aggregate classification (germline): Conflicting classifications of pathogenicity. Review status: criteria provided, conflicting classifications (1 of 4 stars). 4 submissions from 4 submitters: Uncertain significance (2); Likely benign (1). 1 of the submissions does not count toward it. Last evaluated 2025-12-10.

Conditions:
Hereditary cancer-predisposing syndrome. Also called: Hereditary Cancer Syndrome; Tumor predisposition; Neoplastic Syndromes, Hereditary; Hereditary neoplastic syndrome. Identifiers: Orphanet 140162, MedGen C0027672, MeSH D009386, MONDO:0015356.
Hereditary pheochromocytoma and paraganglioma. Also called: Hereditary pheochromocytoma-paraganglioma; Hereditary paragangliomas and pheochromocytomas; Hereditary Paraganglioma-Pheochromocytoma Syndromes. Identifiers: Orphanet 29072, MedGen C4274332, MONDO:0017366.
Carney-Stratakis syndrome. Also called: PARAGANGLIOMA AND GASTROINTESTINAL STROMAL TUMOR. Identifiers: Orphanet 97286, MedGen C1847319, MONDO:0011740, OMIM 606864.
Cowden syndrome 3 (CWS3). Identifiers: Orphanet 201, MedGen CN166604, MONDO:0014045.
Pheochromocytoma. Also called: MAX-Related Hereditary Paraganglioma-Pheochromocytoma Syndrome. Identifiers: Orphanet 29072, MedGen C0031511, MONDO:0008233, OMIM 171300, HP:0002666.
Paragangliomas with sensorineural hearing loss. Identifiers: MedGen C1868633.

Submissions (4):

Labcorp Genetics (formerly Invitae), Labcorp
Classification: Uncertain significance for Carney-Stratakis syndrome; Paragangliomas with sensorineural hearing loss; Pheochromocytoma; Cowden syndrome 3. Last evaluated: 2025-12-10. Review status: criteria provided, single submitter. Criteria: Invitae Variant Classification Sherloc (09022015). Collection method: clinical testing. Allele origin: germline.
Comment: This sequence change replaces isoleucine, which is neutral and non-polar, with valine, which is neutral and non-polar, at codon 31 of the SDHD protein (p.Ile31Val). This variant is not present in population databases (gnomAD no frequency). This variant has not been reported in the literature in individuals affected with SDHD-related conditions. ClinVar contains an entry for this variant (Variation ID: 860158). Invitae Evidence Modeling of protein sequence and biophysical properties (such as structural, functional, and spatial information, amino acid conservation, physicochemical variation, residue mobility, and thermodynamic stability) indicates that this missense variant is not expected to disrupt SDHD protein function with a negative predictive value of 95%. In summary, the available evidence is currently insufficient to determine the role of this variant in disease. Therefore, it has been classified as a Variant of Uncertain Significance.

All of Us Research Program, National Institutes of Health
Classification: Uncertain significance for Hereditary pheochromocytoma and paraganglioma. Last evaluated: 2023-04-03. Review status: criteria provided, single submitter. Criteria: ACMG Guidelines, 2015. Collection method: clinical testing. Allele origin: germline. Inheritance: Autosomal dominant inheritance. Observed: 1 variant allele, 1 heterozygote.
Comment: This missense variant replaces isoleucine with valine at codon 31 of the SDHD protein. Computational prediction suggests that this variant may not impact protein structure and function (internally defined REVEL score threshold <= 0.5, PMID: 27666373). To our knowledge, functional studies have not been reported for this variant. This variant has not been reported in individuals affected with SDHD-related disorders in the literature. This variant has not been identified in the general population by the Genome Aggregation Database (gnomAD). The available evidence is insufficient to determine the role of this variant in disease conclusively. Therefore, this variant is classified as a Variant of Uncertain Significance.

This study involves interpretation of variants in research participants for the purpose of population health screening. Participant phenotype was not available at the time of variant classification. Additional details can be found in publication PMID: 35346344, PMCID: PMC8962531

Ambry Genetics
Classification: Likely benign for Hereditary cancer-predisposing syndrome. Last evaluated: 2021-01-12. Review status: criteria provided, single submitter. Criteria: Ambry Variant Classification Scheme 2023. Collection method: clinical testing. Allele origin: germline.

Genetic Services Laboratory, University of Chicago
Classification: Uncertain significance. Last evaluated: 2022-08-08. Review status: no assertion criteria provided. Collection method: clinical testing. Allele origin: germline. Affected: no. Not counted in ClinVar's aggregate classification.
Comment: DNA sequence analysis of the SDHD gene demonstrated a sequence change, c.91A>G, in exon 2 that results in an amino acid change, p.Ile31Val. This sequence change does not appear to have been previously described in individuals with SDHD-related disorders and has also not been described in population databases such as ExAC and gnomAD. The p.Ile31Val change affects a poorly conserved amino acid residue located in a domain of the SDHD protein that is not known to be functional. The p.Ile31Val substitution appears to be benign using several in-silico pathogenicity prediction tools (SIFT, PolyPhen2, Align GVGD, REVEL). Due to insufficient evidences and the lack of functional studies, the clinical significance of the p.Ile31Val change remains unknown at this time.

NM_003002.4(SDHD):c.91A>G (p.Ile31Val)

Gene: SDHD (succinate dehydrogenase complex subunit D; plus strand). Cytogenetic location: 11q23.1.
Variant type: single nucleotide variant.
Coding change: c.91A>G on transcript NM_003002.4 (MANE Select); coding-DNA position 91, A replaced by G.
Protein change: p.Ile31Val; replaces isoleucine 31 with valine.
Molecular consequence: missense variant. On other transcripts: non-coding transcript variant (1), intron variant (1).
Genome position (GRCh38, 1-based): chr11:112,087,895, A>G. VCF-style: chr11-112087895-A-G. GRCh37 (hg19) VCF-style: chr11-111958619-A-G.
Other names: c.91A>G, p.Ile31Val (NM_001276503.2, NM_001276506.2); c.52+936A>G (NM_001276504.2); short protein forms I31V.
Identifiers: ClinVar variation 860158 (VCV000860158.14), dbSNP rs1865653068, ClinGen allele CA382616974.